The following is an entry in ClinVar:

NM_198578.4(LRRK2):c.959-19T>G

Gene: LRRK2 (leucine rich repeat kinase 2; plus strand). Cytogenetic location: 12q12.
Variant type: single nucleotide variant.
Coding change: c.959-19T>G on transcript NM_198578.4 (MANE Select); 19 bases into the intron before coding-DNA position 959, T replaced by G.
Molecular consequence: intron variant.
Genome position (GRCh38, 1-based): chr12:40,251,213, T>G. VCF-style: chr12-40251213-T-G. GRCh37 (hg19) VCF-style: chr12-40645015-T-G.
Identifiers: ClinVar variation 1963982 (VCV001963982.5), dbSNP rs1210383890, ClinGen allele CA2580085418.

ClinVar aggregate classification (germline): Uncertain significance (1 of 4 stars; one submission).

Conditions:
Autosomal dominant Parkinson disease 8. Also called: LRRK2-Related Parkinson Disease; Parkinson disease 8; Parkinson disease 8, susceptibility to. Identifiers: Orphanet 411602, MedGen C1846862, MONDO:0011764, OMIM 607060.

Submission:

Labcorp Genetics (formerly Invitae), Labcorp
Classification: Uncertain significance for Autosomal dominant Parkinson disease 8. Last evaluated: 2022-10-13. Review status: criteria provided, single submitter. Criteria: Invitae Variant Classification Sherloc (09022015). Collection method: clinical testing. Allele origin: germline.
Comment: This sequence change falls in intron 8 of the LRRK2 gene. It does not directly change the encoded amino acid sequence of the LRRK2 protein. This variant is not present in population databases (gnomAD no frequency). This variant has not been reported in the literature in individuals affected with LRRK2-related conditions. Algorithms developed to predict the effect of sequence changes on RNA splicing suggest that this variant may create or strengthen a splice site. In summary, the available evidence is currently insufficient to determine the role of this variant in disease. Therefore, it has been classified as a Variant of Uncertain Significance.